The following is an entry in ClinVar:

ClinVar aggregate classification (germline): Uncertain significance (1 of 4 stars; one submission).

Allele frequency attached by ClinVar (database versions not stated): gnomAD exomes below 0.00001.

Submission:

Labcorp Genetics (formerly Invitae), Labcorp
Classification: Uncertain significance. Last evaluated: 2023-04-25. Review status: criteria provided, single submitter. Criteria: Invitae Variant Classification Sherloc (09022015). Collection method: clinical testing. Allele origin: germline.
Comment: Advanced modeling of protein sequence and biophysical properties (such as structural, functional, and spatial information, amino acid conservation, physicochemical variation, residue mobility, and thermodynamic stability) performed at Invitae indicates that this missense variant is not expected to disrupt NEFH protein function. In summary, the available evidence is currently insufficient to determine the role of this variant in disease. Therefore, it has been classified as a Variant of Uncertain Significance. This variant has not been reported in the literature in individuals affected with NEFH-related conditions. This sequence change replaces proline, which is neutral and non-polar, with arginine, which is basic and polar, at codon 417 of the NEFH protein (p.Pro417Arg). This variant is not present in population databases (gnomAD no frequency).

NM_021076.4(NEFH):c.1250C>G (p.Pro417Arg)

Gene: NEFH (neurofilament heavy chain; plus strand). Cytogenetic location: 22q12.2.
Variant type: single nucleotide variant.
Coding change: c.1250C>G on transcript NM_021076.4 (MANE Select); coding-DNA position 1250, C replaced by G.
Protein change: p.Pro417Arg; replaces proline 417 with arginine.
Molecular consequence: missense variant.
Genome position (GRCh38, 1-based): chr22:29,488,890, C>G. VCF-style: chr22-29488890-C-G. GRCh37 (hg19) VCF-style: chr22-29884879-C-G.
Other names: short protein forms P417R.
Identifiers: ClinVar variation 3007725 (VCV003007725.3), dbSNP rs2517976392, ClinGen allele CA411128529.